The following is an entry in ClinVar:

ClinVar aggregate classification (germline): Uncertain significance (1 of 4 stars; one submission).

Submission:

Ambry Genetics
Classification: Uncertain significance. Last evaluated: 2026-03-12. Review status: criteria provided, single submitter. Criteria: Ambry Variant Classification Scheme 2023. Collection method: clinical testing. Allele origin: germline.
Comment: The p.Y312H variant (also known as c.934T>C), located in coding exon 8 of the RAD51B gene, results from a T to C substitution at nucleotide position 934. The tyrosine at codon 312 is replaced by histidine, an amino acid with similar properties. This amino acid position is conserved. In addition, this alteration is predicted to be tolerated by in silico analysis. Based on the available evidence, the clinical significance of this variant remains unclear.

NM_133510.4(RAD51B):c.934T>C (p.Tyr312His)

Gene: RAD51B (RAD51 paralog B; plus strand). Cytogenetic location: 14q24.1.
Variant type: single nucleotide variant.
Coding change: c.934T>C on transcript NM_133510.4 (MANE Select); coding-DNA position 934, T replaced by C.
Protein change: p.Tyr312His; replaces tyrosine 312 with histidine.
Molecular consequence: missense variant.
Genome position (GRCh38, 1-based): chr14:68,411,504, T>C. VCF-style: chr14-68411504-T-C. GRCh37 (hg19) VCF-style: chr14-68878221-T-C.
Other names: c.934T>C, p.Tyr312His (NM_001321809.2, NM_001321810.2, NM_001321812.1 and 6 more transcripts); c.820T>C, p.Tyr274His (NM_001321815.1); c.577T>C, p.Tyr193His (NM_001321817.2); short protein forms Y193H, Y312H, Y274H.
Identifiers: ClinVar variation 4826671 (VCV004826671.1).